The following is an entry in ClinVar:

ClinVar aggregate classification (germline): Benign. Review status: criteria provided, multiple submitters, no conflicts (2 of 4 stars). 5 submissions from 5 submitters: Benign (5). Last evaluated 2026-02-01.

Conditions:
Spermatogenic failure 18. Identifiers: MedGen C4539783, MONDO:0054615, OMIM 617576.
Ciliary dyskinesia, primary, 37 (CILD37). Also called: CILIARY DYSKINESIA, PRIMARY, 37, WITH OR WITHOUT SITUS INVERSUS. Identifiers: MedGen C4539798, MONDO:0033204, OMIM 617577.

Allele frequency attached by ClinVar (database versions not stated): TOPMed 0.02192; 1000 Genomes Project 0.02576; 1000 Genomes Project 30x 0.02717; gnomAD exomes 0.00460; ExAC 0.00724; ESP Exome Variant Server 0.01775; gnomAD 0.01860 and 0.01963.
gnomAD v4.1: 5,731 of 1,601,154 alleles (0.36%); highest among the groups gnomAD compares: African/African-American, 6.6%; 174 homozygotes.

Submissions (5):

Labcorp Genetics (formerly Invitae), Labcorp
Classification: Benign for Ciliary dyskinesia, primary, 37; Spermatogenic failure 18. Last evaluated: 2026-02-01. Review status: criteria provided, single submitter. Criteria: Invitae Variant Classification Sherloc (09022015). Collection method: clinical testing. Allele origin: germline.

ARUP Laboratories, Molecular Genetics and Genomics, ARUP Laboratories
Classification: Benign. Last evaluated: 2025-01-30. Review status: criteria provided, single submitter. Criteria: ARUP Molecular Germline Variant Investigation Process 2024. Collection method: clinical testing. Allele origin: germline.

Mayo Clinic Laboratories, Mayo Clinic
Classification: Benign. Last evaluated: 2024-12-20. Review status: criteria provided, single submitter. Criteria: ACMG Guidelines, 2015. Collection method: clinical testing. Allele origin: germline. Observed: 2 variant alleles.
Comment: BA1

GeneDx
Classification: Benign. Last evaluated: 2018-07-09. Review status: criteria provided, single submitter. Criteria: GeneDx Variant Classification Process June 2021. Collection method: clinical testing. Allele origin: germline. Affected: yes.
Comment: This variant is associated with the following publications: (PMID: 31213628)

Breakthrough Genomics
Classification: Benign. Review status: criteria provided, single submitter. Criteria: ACMG Guidelines, 2015. Collection method: not provided. Allele origin: germline. Inheritance: Autosomal recessive inheritance. Affected: yes.

Literature cited by the submitters: PubMed 31213628 (cited by Mayo Clinic Laboratories, Mayo Clinic).

NM_015512.5(DNAH1):c.9121C>T (p.Arg3041Cys)

Gene: DNAH1 (dynein axonemal heavy chain 1; plus strand). Cytogenetic location: 3p21.1.
Variant type: single nucleotide variant.
Coding change: c.9121C>T on transcript NM_015512.5 (MANE Select); coding-DNA position 9121, C replaced by T.
Protein change: p.Arg3041Cys; replaces arginine 3041 with cysteine.
Molecular consequence: missense variant.
Genome position (GRCh38, 1-based): chr3:52,388,284, C>T. VCF-style: chr3-52388284-C-T. GRCh37 (hg19) VCF-style: chr3-52422300-C-T.
Other names: p.Arg3041Cys; short protein forms R3041C.
Identifiers: ClinVar variation 478508 (VCV000478508.23), dbSNP rs61731638, ClinGen allele CA2435382.